The following is an entry in ClinVar:

ClinVar aggregate classification (germline): Conflicting classifications of pathogenicity. Review status: criteria provided, conflicting classifications (1 of 4 stars). 3 submissions from 3 submitters: Uncertain significance (2); Likely benign (1). Last evaluated 2025-02-16.

Conditions:
Male infertility. Identifiers: MedGen C0021364, MeSH D007248, MONDO:0005372, HP:0003251.
Oligosynaptic infertility (SPGF1). Also called: SPERMATOGENIC FAILURE 1; OLIGOCHIASMATIC INFERTILITY. Identifiers: MedGen C0403810, MONDO:0009776, OMIM 258150.
46 XY differences of sex development. Also called: 46, XY disorder of sex development (DSD); 46,XY disorder of sex development. Identifiers: Orphanet 98085, MedGen C2751824, MONDO:0020040.

Allele frequency attached by ClinVar (database versions not stated): ESP Exome Variant Server 0.00008; 1000 Genomes Project 30x 0.00016; 1000 Genomes Project 0.00020.

Submissions (3):

Laboratory of Genetics, Children's Clinical University Hospital Latvia
Classification: Likely benign. Last evaluated: 2025-02-16. Review status: criteria provided, single submitter. Criteria: ACMG Guidelines, 2015. Collection method: clinical testing. Allele origin: germline. Affected: yes.

Institute of Reproductive Genetics, University of Münster
Classification: Uncertain significance for Male infertility. Last evaluated: 2024-01-16. Review status: criteria provided, single submitter. Criteria: Uk Practice Guidelines For Variant Classification V4 01 2020. Collection method: research, in vitro. Allele origin: germline, not applicable. Observed: 3 variant alleles, 3 heterozygotes. Clinical features observed: Azoospermia (HP:0000027).

Labcorp Genetics (formerly Invitae), Labcorp
Classification: Uncertain significance for 46 XY differences of sex development; Oligosynaptic infertility. Last evaluated: 2023-11-10. Review status: criteria provided, single submitter. Criteria: Invitae Variant Classification Sherloc (09022015). Collection method: clinical testing. Allele origin: germline.
Comment: This sequence change replaces glutamine, which is neutral and polar, with proline, which is neutral and non-polar, at codon 460 of the NR5A1 protein (p.Gln460Pro). This variant is present in population databases (rs146454575, gnomAD 0.02%). This missense change has been observed in individual(s) with 46XY sex reversal (Invitae). An algorithm developed to predict the effect of missense changes on protein structure and function (PolyPhen-2) suggests that this variant is likely to be tolerated. This variant disrupts the p.Gln460 amino acid residue in NR5A1. Other variant(s) that disrupt this residue have been observed in individuals with NR5A1-related conditions (PMID: 29935645; Invitae), which suggests that this may be a clinically significant amino acid residue. In summary, the available evidence is currently insufficient to determine the role of this variant in disease. Therefore, it has been classified as a Variant of Uncertain Significance.

Literature cited by the submitters: PubMed 29935645 (cited by Labcorp Genetics (formerly Invitae), Labcorp).

NM_004959.5(NR5A1):c.1379A>C (p.Gln460Pro)

Gene: NR5A1 (nuclear receptor subfamily 5 group A member 1; minus strand). Cytogenetic location: 9q33.3.
Variant type: single nucleotide variant.
Coding change: c.1379A>C on transcript NM_004959.5 (MANE Select); coding-DNA position 1379, A replaced by C.
Protein change: p.Gln460Pro; replaces glutamine 460 with proline.
Molecular consequence: missense variant.
Genome position (GRCh38, 1-based): chr9:124,482,765, T>G on the plus strand (A>C on the coding strand, the complement: NR5A1 is on the minus strand). VCF-style: chr9-124482765-T-G. GRCh37 (hg19) VCF-style: chr9-127245044-T-G.
Other names: short protein forms Q460P.
Identifiers: ClinVar variation 2934814 (VCV002934814.5), dbSNP rs146454575, ClinGen allele CA5235235.